The following is an entry in ClinVar:

ClinVar aggregate classification (germline): Uncertain significance (1 of 4 stars; one submission).

Submission:

GeneDx
Classification: Uncertain significance. Last evaluated: 2023-02-03. Review status: criteria provided, single submitter. Criteria: GeneDx Variant Classification Process June 2021. Collection method: clinical testing. Allele origin: germline. Affected: yes.
Comment: Not observed at significant frequency in large population cohorts (gnomAD); In silico analysis supports that this missense variant has a deleterious effect on protein structure/function; Has not been previously published as pathogenic or benign to our knowledge

NM_003221.4(TFAP2B):c.1057C>G (p.Arg353Gly)

Gene: TFAP2B (transcription factor AP-2 beta; plus strand). Cytogenetic location: 6p12.3.
Variant type: single nucleotide variant.
Coding change: c.1057C>G on transcript NM_003221.4 (MANE Select); coding-DNA position 1057, C replaced by G.
Protein change: p.Arg353Gly; replaces arginine 353 with glycine.
Molecular consequence: missense variant.
Genome position (GRCh38, 1-based): chr6:50,840,272, C>G. VCF-style: chr6-50840272-C-G. GRCh37 (hg19) VCF-style: chr6-50807985-C-G.
Other names: short protein forms R353G.
Identifiers: ClinVar variation 2575029 (VCV002575029.1), dbSNP rs2533153616, ClinGen allele CA364415735.